The following is an entry in ClinVar:

NM_173598.6(KSR2):c.1886_1887del (p.Glu629fs)

Gene: KSR2 (kinase suppressor of ras 2; minus strand). Cytogenetic location: 12q24.22.
Variant type: Microsatellite.
Coding change: c.1886_1887del on transcript NM_173598.6 (MANE Select); coding-DNA positions 1886 to 1887, 2 bases deleted (AG; older notation c.1886_1887delAG).
Protein change: p.Glu629fs; shifts the reading frame from glutamic acid 629.
Molecular consequence: frameshift variant.
Genome position (GRCh38, 1-based): chr12:117,525,184-117,525,185, CT deleted on the plus strand (AG on the coding strand, the reverse complement: KSR2 is on the minus strand); deleting any 2 consecutive bases within chr12:117,525,184-117,525,187 gives the same sequence; the c. name uses the placement nearest the transcript's 3' end. VCF-style (leftmost placement, unchanged base first): chr12-117525183-CCT-C. GRCh37 (hg19) VCF-style: chr12-117962988-CCT-C.
Other names: short protein forms E629fs.
Identifiers: ClinVar variation 2634064 (VCV002634064.3), dbSNP rs2542037480, ClinGen allele CA2621209552.
Genomic context (GRCh38, chr12:117,525,183, plus strand): 5'-TGGCCTTGCGTGGGAAGCTCCGGGCCGAGAGGAGGGACAGGTTCATCTCCTCGAAGTCAT[CCT>C]CTGACTCTTCGGCCTCATCATGGACCTCTTCATTCTGTGGCCGGAGTGGGAGAGAGGTCA-3'

ClinVar aggregate classification (germline): Likely pathogenic (1 of 4 stars; one submission).

Conditions:
KSR2-related disorder. Also called: KSR2-related condition.

Submission:

PreventionGenetics, part of Exact Sciences
Classification: Likely pathogenic for KSR2-related condition. Last evaluated: 2026-09-18. Review status: criteria provided, single submitter. Criteria: ACMG Guidelines, 2015. Collection method: clinical testing. Allele origin: germline.
Comment: The KSR2 c.1799_1800delAG variant is predicted to result in a frameshift and premature protein termination (p.Glu600Glyfs*2). To our knowledge, this variant has not been reported in the literature or in a large population database, indicating this variant is rare. Frameshift variants in KSR2 are expected to be pathogenic. This variant is interpreted as likely pathogenic.